The following is an entry in ClinVar:

NM_000070.3(CAPN3):c.548C>T (p.Pro183Leu)

Gene: CAPN3 (calpain 3; plus strand). Cytogenetic location: 15q15.1.
Variant type: single nucleotide variant.
Coding change: c.548C>T on transcript NM_000070.3 (MANE Select); coding-DNA position 548, C replaced by T.
Protein change: p.Pro183Leu; replaces proline 183 with leucine.
Molecular consequence: missense variant.
Genome position (GRCh38, 1-based): chr15:42,387,802, C>T. VCF-style: chr15-42387802-C-T. GRCh37 (hg19) VCF-style: chr15-42680000-C-T.
Other names: c.548C>T, p.Pro183Leu (NM_024344.2, NM_173087.2); short protein forms P183L.
Identifiers: ClinVar variation 5003254 (VCV005003254.1).

ClinVar aggregate classification (germline): Uncertain significance (1 of 4 stars; one submission).

Conditions:
Autosomal recessive limb-girdle muscular dystrophy type 2A (LGMDR1). Also called: Muscular dystrophy, limb-girdle, type 2A, Amish; Limb-girdle muscular dystrophy, type 2A; Calpainopathy; LEYDEN-MOEBIUS MUSCULAR DYSTROPHY; MUSCULAR DYSTROPHY, PELVOFEMORAL. Identifiers: Orphanet 267, MedGen C1869123, MONDO:0009675, OMIM 253600. Disease mechanism: loss of function.

Submission:

Myriad Genetics, Inc.
Classification: Uncertain significance for Autosomal recessive limb-girdle muscular dystrophy type 2A. Last evaluated: 2025-10-21. Review status: criteria provided, single submitter. Criteria: Myriad Autosomal Dominant, Autosomal Recessive and X-Linked Classification Criteria (2023). Collection method: clinical testing. Allele origin: unknown.
Comment: NM_000070.2(CAPN3):c.548C>T(P183L) is a missense variant classified as a variant of uncertain significance in the context of calpainopathy. P183L has been observed in a case with relevant disease (PMID: 10330340). Relevant functional assessments of this variant are not available in the literature. P183L has not been observed in referenced population frequency databases. In summary, there is insufficient evidence to classify NM_000070.2(CAPN3):c.548C>T(P183L) as pathogenic or benign. Please note: this variant was assessed in the context of healthy population screening.

Literature cited by the submitters: PubMed 10330340.